The following is an entry in ClinVar:

ClinVar aggregate classification (germline): Uncertain significance (1 of 4 stars; one submission).

Allele frequency attached by ClinVar (database versions not stated): TOPMed below 0.00001.

Submission:

Labcorp Genetics (formerly Invitae), Labcorp
Classification: Uncertain significance. Last evaluated: 2022-06-26. Review status: criteria provided, single submitter. Criteria: Invitae Variant Classification Sherloc (09022015). Collection method: clinical testing. Allele origin: germline.
Comment: In summary, the available evidence is currently insufficient to determine the role of this variant in disease. Therefore, it has been classified as a Variant of Uncertain Significance. Algorithms developed to predict the effect of missense changes on protein structure and function are either unavailable or do not agree on the potential impact of this missense change (SIFT: "Deleterious"; PolyPhen-2: "Possibly Damaging"; Align-GVGD: "Class C0"). This variant has not been reported in the literature in individuals affected with AHDC1-related conditions. This variant is not present in population databases (gnomAD no frequency). This sequence change replaces alanine, which is neutral and non-polar, with valine, which is neutral and non-polar, at codon 1044 of the AHDC1 protein (p.Ala1044Val).

NM_001371928.1(AHDC1):c.3131C>T (p.Ala1044Val)

Gene: AHDC1 (AT-hook DNA binding motif containing 1; minus strand). Cytogenetic location: 1p36.11.
Variant type: single nucleotide variant.
Coding change: c.3131C>T on transcript NM_001371928.1 (MANE Select); coding-DNA position 3131, C replaced by T.
Protein change: p.Ala1044Val; replaces alanine 1044 with valine.
Molecular consequence: missense variant.
Genome position (GRCh38, 1-based): chr1:27,548,985, G>A on the plus strand (C>T on the coding strand, the complement: AHDC1 is on the minus strand). VCF-style: chr1-27548985-G-A. GRCh37 (hg19) VCF-style: chr1-27875496-G-A.
Other names: c.3131C>T, p.Ala1044Val (NM_001029882.3); short protein forms A1044V.
Identifiers: ClinVar variation 2011124 (VCV002011124.4), dbSNP rs1478263569, ClinGen allele CA339228177.
Genomic context (GRCh38, chr1:27,548,985, plus strand): 5'-GAGACTGTGCTGGCCCGGCTGTCACAGCGCAGGGGCGTGGGGGCTGAACCAGAGAAGGGG[G>A]CCCCCTCAGAGCTGCTGAAGAAGGAGGCCTTGCTTGGTGGCAGGCAGGGGCCCCCGGTAG-3'
Protein context (NP_001358857.1, residues 1034-1054): KASFFSSSEG[Ala1044Val]PFSGSAPTPL